The following is an entry in ClinVar:

ClinVar aggregate classification (germline): Pathogenic (1 of 4 stars; one submission).

Submission:

Labcorp Genetics (formerly Invitae), Labcorp
Classification: Pathogenic. Last evaluated: 2021-12-31. Review status: criteria provided, single submitter. Criteria: Invitae Variant Classification Sherloc (09022015). Collection method: clinical testing. Allele origin: germline.
Comment: This sequence change creates a premature translational stop signal (p.Leu154Profs*86) in the LOX gene. It is expected to result in an absent or disrupted protein product. Loss-of-function variants in LOX are known to be pathogenic (PMID: 12417550, 26838787, 27432961). This variant is not present in population databases (gnomAD no frequency). This variant has not been reported in the literature in individuals affected with LOX-related conditions. For these reasons, this variant has been classified as Pathogenic.

Literature cited by the submitters: PubMed 12417550; PubMed 26838787; PubMed 27432961.

NM_002317.7(LOX):c.460_461insCCCTGCGC (p.Leu154fs)

Genes: LOX (lysyl oxidase; minus strand), SRFBP1 (serum response factor binding protein 1; plus strand). Cytogenetic location: 5q23.1.
Variant type: Microsatellite.
Coding change: c.460_461insCCCTGCGC on transcript NM_002317.7 (MANE Select); coding-DNA positions 460 to 461, CCCTGCGC inserted.
Protein change: p.Leu154fs; shifts the reading frame from leucine 154.
Molecular consequence: frameshift variant.
Genome position: GRCh38 VCF-style: chr5-122077525-A-AGCGCAGGG. GRCh37 (hg19) VCF-style: chr5-121413220-A-AGCGCAGGG.
Other names: short protein forms L154fs.
Identifiers: ClinVar variation 2067815 (VCV002067815.4), dbSNP rs2532916811.
Genomic context (GRCh38, chr5:122,077,525, plus strand): 5'-GGGTTGTAAGGGTCGTCGCCCACCATGCCGTCCACGCGGCTGGGCGGCCGCAGGTTACTG[A>AGCGCAGGG]GCGCAGGAACTTCTCCCGGCGCTGTCTGGTTCTCCGCGCGCGAGGCGCCAGCTTCGCGGG-3'